The following is an entry in ClinVar:

NM_001267727.2(ARSG):c.986G>A (p.Gly329Glu)

Gene: ARSG (arylsulfatase G; plus strand). Cytogenetic location: 17q24.2.
Variant type: single nucleotide variant.
Coding change: c.986G>A on transcript NM_001267727.2 (MANE Select); coding-DNA position 986, G replaced by A.
Protein change: p.Gly329Glu; replaces glycine 329 with glutamic acid.
Molecular consequence: missense variant.
Genome position (GRCh38, 1-based): chr17:68,385,067, G>A. VCF-style: chr17-68385067-G-A. GRCh37 (hg19) VCF-style: chr17-66381208-G-A.
Other names: c.986G>A, p.Gly329Glu (NM_001352899.2, NM_001352900.2, NM_001352901.2 and 3 more transcripts); c.983G>A, p.Gly328Glu (NM_001352903.2, NM_001352904.2, NM_001352905.2 and 2 more transcripts); c.938G>A, p.Gly313Glu (NM_001352909.2); short protein forms G313E, G328E, G329E.
Identifiers: ClinVar variation 2183075 (VCV002183075.2), dbSNP rs1366662860, ClinGen allele CA400748540.

ClinVar aggregate classification (germline): Uncertain significance. Review status: criteria provided, multiple submitters, no conflicts (2 of 4 stars). 2 submissions from 2 submitters: Uncertain significance (2). Last evaluated 2023-06-26.

Allele frequency attached by ClinVar (database versions not stated): gnomAD 0.00002; TOPMed 0.00003.
gnomAD v4.1: 4 of 1,613,816 alleles (0.00025%); highest among the groups gnomAD compares: African/African-American, 0.0053%; no homozygotes.

Submissions (2):

Blueprint Genetics
Classification: Uncertain significance. Last evaluated: 2023-06-26. Review status: criteria provided, single submitter. Criteria: ACMG Guidelines, 2015. Collection method: clinical testing. Allele origin: germline.

Labcorp Genetics (formerly Invitae), Labcorp
Classification: Uncertain significance. Last evaluated: 2022-08-23. Review status: criteria provided, single submitter. Criteria: Invitae Variant Classification Sherloc (09022015). Collection method: clinical testing. Allele origin: germline.
Comment: This sequence change replaces glycine, which is neutral and non-polar, with glutamic acid, which is acidic and polar, at codon 329 of the ARSG protein (p.Gly329Glu). This variant is present in population databases (no rsID available, gnomAD 0.01%). This variant has not been reported in the literature in individuals affected with ARSG-related conditions. Algorithms developed to predict the effect of missense changes on protein structure and function are either unavailable or do not agree on the potential impact of this missense change (SIFT: "Deleterious"; PolyPhen-2: "Probably Damaging"; Align-GVGD: "Class C0"). In summary, the available evidence is currently insufficient to determine the role of this variant in disease. Therefore, it has been classified as a Variant of Uncertain Significance.